The following is an entry in ClinVar:

NM_000038.6(APC):c.8002A>G (p.Asn2668Asp)

Gene: APC (APC regulator of Wnt signaling pathway; plus strand). Cytogenetic location: 5q22.2.
Variant type: single nucleotide variant.
Coding change: c.8002A>G on transcript NM_000038.6 (MANE Select); coding-DNA position 8002, A replaced by G.
Protein change: p.Asn2668Asp; replaces asparagine 2668 with aspartic acid.
Molecular consequence: missense variant. On other transcripts: non-coding transcript variant (2).
Genome position (GRCh38, 1-based): chr5:112,843,596, A>G. VCF-style: chr5-112843596-A-G. GRCh37 (hg19) VCF-style: chr5-112179293-A-G.
Other names: c.8002A>G, p.Asn2668Asp (NM_001127510.3, NM_001354895.2, NM_001407450.1); c.7948A>G, p.Asn2650Asp (NM_001127511.3); c.8056A>G, p.Asn2686Asp (NM_001354896.2, NM_001407447.1, NM_001407448.1 and 1 more transcripts); c.8032A>G, p.Asn2678Asp (NM_001354897.2); c.7927A>G, p.Asn2643Asp (NM_001354898.2); c.7918A>G, p.Asn2640Asp (NM_001354899.2); c.7879A>G, p.Asn2627Asp (NM_001354900.2); c.7825A>G, p.Asn2609Asp (NM_001354901.2, NM_001407453.1); and 11 more; short protein forms N2542D, N2577D, N2585D, N2627D, N2643D, N2650D, N2385D, N2508D.
Identifiers: ClinVar variation 4748651 (VCV004748651.1).

ClinVar aggregate classification (germline): Uncertain significance (1 of 4 stars; one submission).

Conditions:
Familial adenomatous polyposis 1 (FAP1). Also called: POLYPOSIS, ADENOMATOUS INTESTINAL; FAMILIAL ADENOMATOUS POLYPOSIS 1, ATTENUATED. Identifiers: MedGen C2713442, MONDO:0021056, OMIM 175100. Disease mechanism: loss of function.

gnomAD v4.1: 1 of 1,614,014 alleles (0.000062%); highest among the groups gnomAD compares: Non-Finnish European, 0.000085%; no homozygotes.

Submission:

Labcorp Genetics (formerly Invitae), Labcorp
Classification: Uncertain significance for Familial adenomatous polyposis 1. Last evaluated: 2025-08-10. Review status: criteria provided, single submitter. Criteria: Invitae Variant Classification Sherloc (09022015). Collection method: clinical testing. Allele origin: germline.
Comment: This sequence change replaces asparagine, which is neutral and polar, with aspartic acid, which is acidic and polar, at codon 2668 of the APC protein (p.Asn2668Asp). This variant is not present in population databases (gnomAD no frequency). This variant has not been reported in the literature in individuals affected with APC-related conditions. Invitae Evidence Modeling of protein sequence and biophysical properties (such as structural, functional, and spatial information, amino acid conservation, physicochemical variation, residue mobility, and thermodynamic stability) indicates that this missense variant is not expected to disrupt APC protein function with a negative predictive value of 95%. In summary, the available evidence is currently insufficient to determine the role of this variant in disease. Therefore, it has been classified as a Variant of Uncertain Significance.